The following is an entry in ClinVar:

ClinVar aggregate classification (germline): Uncertain significance. Review status: criteria provided, multiple submitters, no conflicts (2 of 4 stars). 2 submissions from 2 submitters: Uncertain significance (2). Last evaluated 2024-12-02.

Submissions (2):

Labcorp Genetics (formerly Invitae), Labcorp
Classification: Uncertain significance. Last evaluated: 2024-12-02. Review status: criteria provided, single submitter. Criteria: Invitae Variant Classification Sherloc (09022015). Collection method: clinical testing. Allele origin: germline.
Comment: This sequence change creates a premature translational stop signal (p.Trp601*) in the MAK gene. While this is not anticipated to result in nonsense mediated decay, it is expected to disrupt the last 48 amino acid(s) of the MAK protein. This variant is not present in population databases (gnomAD no frequency). This variant has not been reported in the literature in individuals affected with MAK-related conditions. ClinVar contains an entry for this variant (Variation ID: 1878221). Algorithms developed to predict the effect of sequence changes on RNA splicing suggest that this variant may disrupt the consensus splice site. This variant disrupts a region of the MAK protein in which other variant(s) (p.Gln609*) have been observed in individuals with MAK-related conditions (PMID: 33247286). This suggests that this is a clinically significant region of the protein, and that variants that disrupt it are likely to be disease-causing. In summary, the available evidence is currently insufficient to determine the role of this variant in disease. Therefore, it has been classified as a Variant of Uncertain Significance.

Women's Health and Genetics/Laboratory Corporation of America, LabCorp
Classification: Uncertain significance. Last evaluated: 2022-12-06. Review status: criteria provided, single submitter. Criteria: LabCorp Variant Classification Summary - May 2015. Collection method: clinical testing. Allele origin: germline.
Comment: Variant summary: MAK c.1802G>A (p.Trp601X) results in a premature termination codon in the last exon, predicted to cause a truncation of the encoded protein. Truncations downstream of this position are cited as uncertain significance in ClinVar (Variation IDs: 1379524, 1501482). HGMD cites one downstream truncation (p.Q609X), reported in an individual affected with Retinitis Pigmentosa, in compound heterozygosity with a missense variant of uncertain significance (PMID: 33247286). The variant of interest was absent in 249412 control chromosomes (gnomAD). The available data on variant occurrences in the general population are insufficient to allow any conclusion about variant significance. To our knowledge, no occurrence of c.1802G>A in individuals affected with Retinitis Pigmentosa and no experimental evidence demonstrating its impact on protein function have been reported. No clinical diagnostic laboratories have submitted clinical-significance assessments for this variant to ClinVar after 2014. Based on the evidence outlined above, the variant was classified as uncertain significance.

Literature cited by the submitters: PubMed 33247286 (cited by Labcorp Genetics (formerly Invitae), Labcorp).

NM_001242957.3(MAK):c.1802G>A (p.Trp601Ter)

Gene: MAK (male germ cell associated kinase; minus strand). Cytogenetic location: 6p24.2.
Variant type: single nucleotide variant.
Coding change: c.1802G>A on transcript NM_001242957.3 (MANE Select); coding-DNA position 1802, G replaced by A.
Protein change: p.Trp601Ter; replaces tryptophan 601 with a stop codon.
Molecular consequence: nonsense. On other transcripts: non-coding transcript variant (2).
Genome position (GRCh38, 1-based): chr6:10,764,597, C>T on the plus strand (G>A on the coding strand, the complement: MAK is on the minus strand). VCF-style: chr6-10764597-C-T. GRCh37 (hg19) VCF-style: chr6-10764830-C-T.
Other names: c.1607G>A, p.Trp536Ter (NM_001242385.2); c.1505G>A, p.Trp502Ter (NM_001377262.1); c.1727G>A, p.Trp576Ter (NM_005906.6); short protein forms W502*, W601*, W576*, W536*.
Identifiers: ClinVar variation 1878221 (VCV001878221.3), dbSNP rs2532223184, ClinGen allele CA362719476.
Genomic context (GRCh38, chr6:10,764,597, plus strand): 5'-TTTTTTGCTGTAGGATTATAAGTACGTCCTGAAAACTGCCCCCGACCAGTTTTTGTGTTC[C>T]AGGTATATTCTGAAAGAAATCAGATTTGGAAAACAGGGTTTTACTCATTTGCTTATCAAA-3'